The following is an entry in ClinVar:

NM_198578.4(LRRK2):c.3413A>G (p.Lys1138Arg)

Gene: LRRK2 (leucine rich repeat kinase 2; plus strand). Cytogenetic location: 12q12.
Variant type: single nucleotide variant.
Coding change: c.3413A>G on transcript NM_198578.4 (MANE Select); coding-DNA position 3413, A replaced by G.
Protein change: p.Lys1138Arg; replaces lysine 1138 with arginine.
Molecular consequence: missense variant.
Genome position (GRCh38, 1-based): chr12:40,299,174, A>G. VCF-style: chr12-40299174-A-G. GRCh37 (hg19) VCF-style: chr12-40692976-A-G.
Other names: short protein forms K1138R.
Identifiers: ClinVar variation 2453120 (VCV002453120.2), dbSNP rs2499756794, ClinGen allele CA384415703.

ClinVar aggregate classification (germline): Uncertain significance (1 of 4 stars; one submission).

Conditions:
Inborn genetic diseases. Identifiers: MedGen C0950123, MeSH D030342.

Submission:

Ambry Genetics
Classification: Uncertain significance for Inborn genetic diseases. Last evaluated: 2023-02-23. Review status: criteria provided, single submitter. Criteria: Ambry Variant Classification Scheme 2023. Collection method: clinical testing. Allele origin: germline.
Comment: The p.K1138R variant (also known as c.3413A>G), located in coding exon 25 of the LRRK2 gene, results from an A to G substitution at nucleotide position 3413. The lysine at codon 1138 is replaced by arginine, an amino acid with highly similar properties. This amino acid position is conserved. In addition, the in silico prediction for this alteration is inconclusive. Since supporting evidence is limited at this time, the clinical significance of this alteration remains unclear.